The following is an entry in ClinVar:

ClinVar aggregate classification (germline): Uncertain significance (1 of 4 stars; one submission).

gnomAD v4.1: 1 of 1,614,210 alleles (0.000062%); highest among the groups gnomAD compares: Non-Finnish European, 0.000085%; no homozygotes.

Submission:

Labcorp Genetics (formerly Invitae), Labcorp
Classification: Uncertain significance. Last evaluated: 2024-03-08. Review status: criteria provided, single submitter. Criteria: Invitae Variant Classification Sherloc (09022015). Collection method: clinical testing. Allele origin: germline.
Comment: This sequence change creates a premature translational stop signal (p.Gln275*) in the GALNT12 gene. It is expected to result in an absent or disrupted protein product. However, the current clinical and genetic evidence is not sufficient to establish whether loss-of-function variants in GALNT12 cause disease. This variant is not present in population databases (gnomAD no frequency). This variant has not been reported in the literature in individuals affected with GALNT12-related conditions. In summary, the available evidence is currently insufficient to determine the role of this variant in disease. Therefore, it has been classified as a Variant of Uncertain Significance.

NM_024642.5(GALNT12):c.823C>T (p.Gln275Ter)

Gene: GALNT12 (polypeptide N-acetylgalactosaminyltransferase 12; plus strand). Cytogenetic location: 9q22.33.
Variant type: single nucleotide variant.
Coding change: c.823C>T on transcript NM_024642.5 (MANE Select); coding-DNA position 823, C replaced by T.
Protein change: p.Gln275Ter; replaces glutamine 275 with a stop codon.
Molecular consequence: nonsense.
Genome position (GRCh38, 1-based): chr9:98,831,863, C>T. VCF-style: chr9-98831863-C-T. GRCh37 (hg19) VCF-style: chr9-101594145-C-T.
Other names: short protein forms Q275*.
Identifiers: ClinVar variation 3686610 (VCV003686610.2).